The following is an entry in ClinVar:

NM_178138.6(LHX3):c.581C>G (p.Thr194Arg)

Gene: LHX3 (LIM homeobox 3; minus strand). Cytogenetic location: 9q34.3.
Variant type: single nucleotide variant.
Coding change: c.581C>G on transcript NM_178138.6 (MANE Select); coding-DNA position 581, C replaced by G.
Protein change: p.Thr194Arg; replaces threonine 194 with arginine.
Molecular consequence: missense variant.
Genome position (GRCh38, 1-based): chr9:136,198,933, G>C on the plus strand (C>G on the coding strand, the complement: LHX3 is on the minus strand). VCF-style: chr9-136198933-G-C. GRCh37 (hg19) VCF-style: chr9-139090779-G-C.
Other names: c.548C>G, p.Thr183Arg (NM_001363746.1); c.596C>G, p.Thr199Arg (NM_014564.5); short protein forms T183R, T194R, T199R.
Identifiers: ClinVar variation 1341562 (VCV001341562.3), dbSNP rs2131032901, ClinGen allele CA375519594.

ClinVar aggregate classification (germline): Likely pathogenic (0 of 4 stars; one submission).

Conditions:
Non-acquired combined pituitary hormone deficiency with spine abnormalities (CPHD3). Also called: Winkelman Bethge Pfeiffer syndrome; WBP syndrome; Combined pituitary hormone deficiency type 3. Identifiers: Orphanet 231720, MedGen C3489787, MONDO:0009091, OMIM 221750.

gnomAD v4.1: 1 of 1,588,622 alleles (0.000063%); highest among the groups gnomAD compares: South Asian, 0.0011%; no homozygotes.

Submission:

Institute of Medical Genetics and Genomics, Sir Ganga Ram Hospital
Classification: Likely pathogenic for Non-acquired combined pituitary hormone deficiency with spine abnormalities. Last evaluated: 2022-02-15. Review status: no assertion criteria provided. Collection method: clinical testing. Allele origin: germline. Inheritance: Autosomal recessive inheritance. Affected: yes. Observed: 1 homozygote.
Comment: MRI brain shows pitutary hypoplasia.

Literature cited by the submitters: PubMed 22286346.